The following is an entry in ClinVar:

NM_004423.4(DVL3):c.250T>C (p.Ser84Pro)

Gene: DVL3 (dishevelled segment polarity protein 3; plus strand). Cytogenetic location: 3q27.1.
Variant type: single nucleotide variant.
Coding change: c.250T>C on transcript NM_004423.4 (MANE Select); coding-DNA position 250, T replaced by C.
Protein change: p.Ser84Pro; replaces serine 84 with proline.
Molecular consequence: missense variant.
Genome position (GRCh38, 1-based): chr3:184,164,285, T>C. VCF-style: chr3-184164285-T-C. GRCh37 (hg19) VCF-style: chr3-183882073-T-C.
Other names: short protein forms S84P.
Identifiers: ClinVar variation 3693850 (VCV003693850.2).

ClinVar aggregate classification (germline): Uncertain significance (1 of 4 stars; one submission).

gnomAD v4.1: 2 of 1,614,046 alleles (0.00012%); highest among the groups gnomAD compares: Non-Finnish European, 0.00017%; no homozygotes.

Submission:

Labcorp Genetics (formerly Invitae), Labcorp
Classification: Uncertain significance. Last evaluated: 2024-05-31. Review status: criteria provided, single submitter. Criteria: Invitae Variant Classification Sherloc (09022015). Collection method: clinical testing. Allele origin: germline.
Comment: This sequence change replaces serine, which is neutral and polar, with proline, which is neutral and non-polar, at codon 84 of the DVL3 protein (p.Ser84Pro). This variant is not present in population databases (gnomAD no frequency). This variant has not been reported in the literature in individuals affected with DVL3-related conditions. Advanced modeling of protein sequence and biophysical properties (such as structural, functional, and spatial information, amino acid conservation, physicochemical variation, residue mobility, and thermodynamic stability) performed at Invitae indicates that this missense variant is not expected to disrupt DVL3 protein function with a negative predictive value of 80%. In summary, the available evidence is currently insufficient to determine the role of this variant in disease. Therefore, it has been classified as a Variant of Uncertain Significance.